The following is an entry in ClinVar:

NM_172362.3(KCNH1):c.1747C>T (p.Arg583Trp)

Gene: KCNH1 (potassium voltage-gated channel subfamily H member 1; minus strand). Cytogenetic location: 1q32.2.
Variant type: single nucleotide variant.
Coding change: c.1747C>T on transcript NM_172362.3 (MANE Select); coding-DNA position 1747, C replaced by T.
Protein change: p.Arg583Trp; replaces arginine 583 with tryptophan.
Molecular consequence: missense variant.
Genome position (GRCh38, 1-based): chr1:210,797,676, G>A on the plus strand (C>T on the coding strand, the complement: KCNH1 is on the minus strand). VCF-style: chr1-210797676-G-A. GRCh37 (hg19) VCF-style: chr1-210971018-G-A.
Other names: c.1666C>T, p.Arg556Trp (NM_002238.4); short protein forms R556W, R583W.
Identifiers: ClinVar variation 4810732 (VCV004810732.1).

ClinVar aggregate classification (germline): Uncertain significance (1 of 4 stars; one submission).

gnomAD v4.1: 3 of 1,614,110 alleles (0.00019%); highest among the groups gnomAD compares: Non-Finnish European, 0.000085%; no homozygotes.

Submission:

Labcorp Genetics (formerly Invitae), Labcorp
Classification: Uncertain significance. Last evaluated: 2025-04-09. Review status: criteria provided, single submitter. Criteria: Invitae Variant Classification Sherloc (09022015). Collection method: clinical testing. Allele origin: germline.
Comment: This sequence change replaces arginine, which is basic and polar, with tryptophan, which is neutral and slightly polar, at codon 583 of the KCNH1 protein (p.Arg583Trp). The frequency data for this variant in the population databases is considered unreliable, as metrics indicate poor data quality at this position in the gnomAD database. This variant has not been reported in the literature in individuals affected with KCNH1-related conditions. Invitae Evidence Modeling of protein sequence and biophysical properties (such as structural, functional, and spatial information, amino acid conservation, physicochemical variation, residue mobility, and thermodynamic stability) has been performed for this missense variant. However, the output from this modeling did not meet the statistical confidence thresholds required to predict the impact of this variant on KCNH1 protein function. In summary, the available evidence is currently insufficient to determine the role of this variant in disease. Therefore, it has been classified as a Variant of Uncertain Significance.